The following is an entry in ClinVar:

NM_001041.4(SI):c.3721G>A (p.Glu1241Lys)

Gene: SI (sucrase-isomaltase; minus strand). Cytogenetic location: 3q26.1.
Variant type: single nucleotide variant.
Coding change: c.3721G>A on transcript NM_001041.4 (MANE Select); coding-DNA position 3721, G replaced by A.
Protein change: p.Glu1241Lys; replaces glutamic acid 1241 with lysine.
Molecular consequence: missense variant.
Genome position (GRCh38, 1-based): chr3:165,017,586, C>T on the plus strand (G>A on the coding strand, the complement: SI is on the minus strand). VCF-style: chr3-165017586-C-T. GRCh37 (hg19) VCF-style: chr3-164735374-C-T.
Other names: short protein forms E1241K.
Identifiers: ClinVar variation 1897891 (VCV001897891.5), dbSNP rs1416779997, ClinGen allele CA355037530.

ClinVar aggregate classification (germline): Uncertain significance (1 of 4 stars; one submission).

gnomAD v4.1: 9 of 1,612,468 alleles (0.00056%); highest among the groups gnomAD compares: Middle Eastern, 0.017%; no homozygotes.

Submission:

Labcorp Genetics (formerly Invitae), Labcorp
Classification: Uncertain significance. Last evaluated: 2022-06-14. Review status: criteria provided, single submitter. Criteria: Invitae Variant Classification Sherloc (09022015). Collection method: clinical testing. Allele origin: germline.
Comment: This sequence change replaces glutamic acid, which is acidic and polar, with lysine, which is basic and polar, at codon 1241 of the SI protein (p.Glu1241Lys). This variant is present in population databases (no rsID available, gnomAD 0.0009%). This variant has not been reported in the literature in individuals affected with SI-related conditions. Advanced modeling of protein sequence and biophysical properties (such as structural, functional, and spatial information, amino acid conservation, physicochemical variation, residue mobility, and thermodynamic stability) performed at Invitae indicates that this missense variant is not expected to disrupt SI protein function. In summary, the available evidence is currently insufficient to determine the role of this variant in disease. Therefore, it has been classified as a Variant of Uncertain Significance.